The following is an entry in ClinVar:

NM_000256.3(MYBPC3):c.616C>T (p.His206Tyr)

Gene: MYBPC3 (myosin binding protein C3; minus strand). Cytogenetic location: 11p11.2.
Variant type: single nucleotide variant.
Coding change: c.616C>T on transcript NM_000256.3 (MANE Select); coding-DNA position 616, C replaced by T.
Protein change: p.His206Tyr; replaces histidine 206 with tyrosine.
Molecular consequence: missense variant.
Genome position (GRCh38, 1-based): chr11:47,349,812, G>A on the plus strand (C>T on the coding strand, the complement: MYBPC3 is on the minus strand). VCF-style: chr11-47349812-G-A. GRCh37 (hg19) VCF-style: chr11-47371363-G-A.
Other names: short protein forms H206Y.
Identifiers: ClinVar variation 1751991 (VCV001751991.2), dbSNP rs2495780444, ClinGen allele CA380337430.
Genomic context (GRCh38, chr11:47,349,812, plus strand): 5'-TCCACGACCCCGGTGGACCCACCTTGCTGGCGCGGTCGTAGCTGTCGTGCAGCTGCAGGT[G>A]CTGGCCCACCTTGCTGCTCAGGTCCACCCATTTGCCCTTGAACCACTTGACCACAGGCGG-3'
Protein context (NP_000247.2, residues 196-216): WVDLSSKVGQ[His206Tyr]LQLHDSYDRA

ClinVar aggregate classification (germline): Uncertain significance (1 of 4 stars; one submission).

Conditions:
Cardiovascular phenotype. Identifiers: MedGen CN230736.

Allele frequency attached by ClinVar (database versions not stated): gnomAD exomes below 0.00001.

Submission:

Ambry Genetics
Classification: Uncertain significance for Cardiovascular phenotype. Last evaluated: 2022-04-01. Review status: criteria provided, single submitter. Criteria: Ambry Variant Classification Scheme 2023. Collection method: clinical testing. Allele origin: germline.
Comment: The p.H206Y variant (also known as c.616C>T), located in coding exon 5 of the MYBPC3 gene, results from a C to T substitution at nucleotide position 616. The histidine at codon 206 is replaced by tyrosine, an amino acid with similar properties. This amino acid position is conserved. In addition, this alteration is predicted to be tolerated by in silico analysis. Since supporting evidence is limited at this time, the clinical significance of this alteration remains unclear.